The following is an entry in ClinVar:

NM_001129.5(AEBP1):c.3139dup (p.His1047fs)

Gene: AEBP1 (AE binding protein 1; plus strand). Cytogenetic location: 7p13.
Variant type: Duplication.
Coding change: c.3139dup on transcript NM_001129.5 (MANE Select); coding-DNA position 3139, one base duplicated (C; older notation c.3139dupC).
Protein change: p.His1047fs; shifts the reading frame from histidine 1047.
Molecular consequence: frameshift variant.
Genome position (GRCh38, 1-based): chr7:44,113,923, C duplicated; the last of 5 consecutive C bases (chr7:44,113,919-44,113,923); duplicating any one gives the same sequence. VCF-style (leftmost placement, unchanged base first): chr7-44113918-G-GC. GRCh37 (hg19) VCF-style: chr7-44153517-G-GC.
Other names: short protein forms H1047fs.
Identifiers: ClinVar variation 4692937 (VCV004692937.1).
Genomic context (GRCh38, chr7:44,113,918, plus strand): 5'-ACCGCCTGCGGCTTCGGGCACAGATGCGGCTGCGGCGCCTCAACGCCACCACCACCCTAG[G>GC]CCCCCACACTGTGCCTCCCACGCTGCCCCCTGCCCCTGCCACCACCCTGAGCACTACCAT-3'

ClinVar aggregate classification (germline): Uncertain significance (1 of 4 stars; one submission).

Submission:

Labcorp Genetics (formerly Invitae), Labcorp
Classification: Uncertain significance. Last evaluated: 2026-01-04. Review status: criteria provided, single submitter. Criteria: Invitae Variant Classification Sherloc (09022015). Collection method: clinical testing. Allele origin: germline.
Comment: This sequence change creates a premature translational stop signal (p.His1047Profs*38) in the AEBP1 gene. While this is not anticipated to result in nonsense mediated decay, it is expected to disrupt the last 112 amino acid(s) of the AEBP1 protein. This variant is present in population databases (no rsID available, gnomAD 0.007%). This variant has not been reported in the literature in individuals affected with AEBP1-related conditions. Experimental studies and prediction algorithms are not available or were not evaluated, and the functional significance of this variant is currently unknown. In summary, the available evidence is currently insufficient to determine the role of this variant in disease. Therefore, it has been classified as a Variant of Uncertain Significance.